The following is an entry in ClinVar:

Single allele

Gene: LOC132090284 (Neanderthal introgressed variant-containing enhancer experimental_38246; plus strand). Cytogenetic location: 14q31.3.
Variant type: Deletion.
Identifiers: ClinVar variation 157313 (VCV000157313.2).

ClinVar aggregate classification (germline): not provided (0 of 4 stars; one submission).

Conditions:
Small for gestational age. Also called: Low birth weight. Identifiers: MedGen C0235991, HP:0001518.

Submission:

Institute of Molecular and Cell Biology, University of Tartu
No classification provided. Condition: Small for gestational age. Review status: no classification provided. Collection method: case-control. Allele origin: unknown. Affected: yes. Study: Kasak2014.
Comment: The study aimed to determine the contribution of copy number variants in the genetic etiology of normal and complicated pregnancies. The samples represented (i) maternal blood DNA drawn from healthy pregnant women during 1st or 2nd trimester and (ii) maternal and paternal blood DNA drawn at term pregnancy cases representing normal and complicated gestations (severe preeclampsia, PE; gestational diabetes, GD; small-for-gestational age newborn, SGA; large-for-gestational age newborn, LGA). We performed CNV calling based on genome-wide genotyping dataset (Illumina HumanOmniExpress-24-v1 BeadChip) by applying three algorithms, QuantiSNP, GADA (Genome Alteration Detection Algorithm) and CNstream in parallel. The acquired CNV calls were merged with HD-CNV (Hotspot Detector for Copy Number Variants) program and only the CNVs predicted by at least two programs, were considered in subsequent analysis.

Literature cited by the submitters: PubMed 25666259.